The following is an entry in ClinVar:

ClinVar aggregate classification (germline): Uncertain significance (1 of 4 stars; one submission).

Submission:

GeneDx
Classification: Uncertain significance. Last evaluated: 2026-04-10. Review status: criteria provided, single submitter. Criteria: GeneDx Variant Classification Process June 2021. Collection method: clinical testing. Allele origin: germline.
Comment: Not observed at significant frequency in large population cohorts (gnomAD); In silico analysis suggests that this missense variant does not alter protein structure/function; Has not been previously published as pathogenic or benign to our knowledge

NM_002253.4(KDR):c.1159G>C (p.Glu387Gln)

Gene: KDR (kinase insert domain receptor; minus strand). Cytogenetic location: 4q12.
Variant type: single nucleotide variant.
Coding change: c.1159G>C on transcript NM_002253.4 (MANE Select); coding-DNA position 1159, G replaced by C.
Protein change: p.Glu387Gln; replaces glutamic acid 387 with glutamine.
Molecular consequence: missense variant.
Genome position (GRCh38, 1-based): chr4:55,110,499, C>G on the plus strand (G>C on the coding strand, the complement: KDR is on the minus strand). VCF-style: chr4-55110499-C-G. GRCh37 (hg19) VCF-style: chr4-55976666-C-G.
Other names: short protein forms E387Q.
Identifiers: ClinVar variation 5018277 (VCV005018277.1).